The following is an entry in ClinVar:

NM_057175.5(NAA15):c.2423C>T (p.Ala808Val)

Gene: NAA15 (N-alpha-acetyltransferase 15, NatA auxiliary subunit; plus strand). Cytogenetic location: 4q31.1.
Variant type: single nucleotide variant.
Coding change: c.2423C>T on transcript NM_057175.5 (MANE Select); coding-DNA position 2423, C replaced by T.
Protein change: p.Ala808Val; replaces alanine 808 with valine.
Molecular consequence: missense variant.
Genome position (GRCh38, 1-based): chr4:139,387,906, C>T. VCF-style: chr4-139387906-C-T. GRCh37 (hg19) VCF-style: chr4-140309060-C-T.
Other names: c.2420C>T, p.Ala807Val (NM_001410842.1); short protein forms A808V, A807V.
Identifiers: ClinVar variation 4700666 (VCV004700666.1).

ClinVar aggregate classification (germline): Uncertain significance (1 of 4 stars; one submission).

Submission:

Labcorp Genetics (formerly Invitae), Labcorp
Classification: Uncertain significance. Last evaluated: 2025-06-13. Review status: criteria provided, single submitter. Criteria: Invitae Variant Classification Sherloc (09022015). Collection method: clinical testing. Allele origin: germline.
Comment: This sequence change replaces alanine, which is neutral and non-polar, with valine, which is neutral and non-polar, at codon 808 of the NAA15 protein (p.Ala808Val). This variant is present in population databases (rs764303721, gnomAD 0.002%). This variant has not been reported in the literature in individuals affected with NAA15-related conditions. An algorithm developed to predict the effect of missense changes on protein structure and function (PolyPhen-2) suggests that this variant is likely to be disruptive. In summary, the available evidence is currently insufficient to determine the role of this variant in disease. Therefore, it has been classified as a Variant of Uncertain Significance.